The following is an entry in ClinVar:

NM_001374385.1(ATP8B1):c.493-6C>T

Gene: ATP8B1 (ATPase phospholipid transporting 8B1; minus strand). Cytogenetic location: 18q21.31.
Variant type: single nucleotide variant.
Coding change: c.493-6C>T on transcript NM_001374385.1 (MANE Select); 6 bases into the intron before coding-DNA position 493, C replaced by T.
Molecular consequence: intron variant.
Genome position (GRCh38, 1-based): chr18:57,701,106, G>A on the plus strand (C>T on the coding strand, the complement: ATP8B1 is on the minus strand). VCF-style: chr18-57701106-G-A. GRCh37 (hg19) VCF-style: chr18-55368338-G-A.
Other names: c.493-6C>T (NM_005603.6, NM_005603.4); c.343-6C>T (NM_001374386.1).
Identifiers: ClinVar variation 2887114 (VCV002887114.4), dbSNP rs543925164, ClinGen allele CA300863805.

ClinVar aggregate classification (germline): Likely benign. Review status: criteria provided, multiple submitters, no conflicts (2 of 4 stars). 2 submissions from 2 submitters: Likely benign (2). Last evaluated 2024-10-23.

Conditions:
ATP8B1-related disorder. Also called: ATP8B1-related condition; ATP8B1-related disorders.

Allele frequency attached by ClinVar (database versions not stated): gnomAD 0.00001; gnomAD exomes 0.00001; TOPMed 0.00001.
gnomAD v4.1: 17 of 1,614,002 alleles (0.0011%); highest among the groups gnomAD compares: Non-Finnish European, 0.0013%; no homozygotes.

Submissions (2):

PreventionGenetics, part of Exact Sciences
Classification: Likely benign for ATP8B1-related condition. Last evaluated: 2024-10-23. Review status: criteria provided, single submitter. Criteria: ACMG Guidelines, 2015. Collection method: clinical testing. Allele origin: germline.
Comment: This variant is classified as likely benign based on ACMG/AMP sequence variant interpretation guidelines (Richards et al. 2015 PMID: 25741868, with internal and published modifications).

Labcorp Genetics (formerly Invitae), Labcorp
Classification: Likely benign. Last evaluated: 2024-01-04. Review status: criteria provided, single submitter. Criteria: Invitae Variant Classification Sherloc (09022015). Collection method: clinical testing. Allele origin: germline.